The following is an entry in ClinVar:

ClinVar aggregate classification (germline): Likely benign (1 of 4 stars; one submission).

Conditions:
LHX2-related disorder. Also called: LHX2-related condition.

gnomAD v4.1: 855 of 1,614,094 alleles (0.053%); highest among the groups gnomAD compares: Middle Eastern, 0.2%; 2 homozygotes.

Submission:

PreventionGenetics, part of Exact Sciences
Classification: Likely benign for LHX2-related condition. Last evaluated: 2026-07-13. Review status: criteria provided, single submitter. Criteria: ACMG Guidelines, 2015. Collection method: clinical testing. Allele origin: germline.
Comment: This variant is classified as likely benign based on ACMG/AMP sequence variant interpretation guidelines (Richards et al. 2015 PMID: 25741868, with internal and published modifications).

NM_004789.4(LHX2):c.1137G>T (p.Thr379=)

Gene: LHX2 (LIM homeobox 2; plus strand). Cytogenetic location: 9q33.3.
Variant type: single nucleotide variant.
Coding change: c.1137G>T on transcript NM_004789.4 (MANE Select); coding-DNA position 1137, G replaced by T.
Protein change: p.Thr379=; no amino-acid change (threonine 379 retained).
Molecular consequence: synonymous variant.
Genome position (GRCh38, 1-based): chr9:124,032,623, G>T. VCF-style: chr9-124032623-G-T. GRCh37 (hg19) VCF-style: chr9-126794902-G-T.
Identifiers: ClinVar variation 4980866 (VCV004980866.1).